The following is an entry in ClinVar:

ClinVar aggregate classification (germline): Uncertain significance. Review status: criteria provided, multiple submitters, no conflicts (2 of 4 stars). 3 submissions from 3 submitters: Uncertain significance (2). 1 of the submissions does not count toward it. Last evaluated 2022-01-16.

Conditions:
Schimke immuno-osseous dysplasia (SIOD). Also called: Schimke Immunoosseous Dysplasia. Identifiers: Orphanet 1830, MedGen C0877024, MONDO:0009458, OMIM 242900.

Allele frequency attached by ClinVar (database versions not stated): ExAC 0.00001; gnomAD exomes 0.00002.
gnomAD v4.1: 9 of 1,614,192 alleles (0.00056%); highest among the groups gnomAD compares: East Asian, 0.013%; no homozygotes.

Submissions (3):

Labcorp Genetics (formerly Invitae), Labcorp
Classification: Uncertain significance for Schimke immuno-osseous dysplasia. Last evaluated: 2022-01-16. Review status: criteria provided, single submitter. Criteria: Invitae Variant Classification Sherloc (09022015). Collection method: clinical testing. Allele origin: germline.
Comment: This sequence change replaces alanine, which is neutral and non-polar, with serine, which is neutral and polar, at codon 665 of the SMARCAL1 protein (p.Ala665Ser). This variant is present in population databases (rs768868466, gnomAD 0.02%). This variant has not been reported in the literature in individuals affected with SMARCAL1-related conditions. ClinVar contains an entry for this variant (Variation ID: 640035). Algorithms developed to predict the effect of missense changes on protein structure and function (SIFT, PolyPhen-2, Align-GVGD) all suggest that this variant is likely to be tolerated. In summary, the available evidence is currently insufficient to determine the role of this variant in disease. Therefore, it has been classified as a Variant of Uncertain Significance.

Fulgent Genetics
Classification: Uncertain significance for Schimke immuno-osseous dysplasia. Last evaluated: 2021-12-24. Review status: criteria provided, single submitter. Criteria: ACMG Guidelines, 2015. Collection method: clinical testing. Allele origin: unknown.

Natera, Inc.
Classification: Uncertain significance for Schimke immuno-osseous dysplasia. Last evaluated: 2020-02-10. Review status: no assertion criteria provided. Collection method: clinical testing. Allele origin: germline. Not counted in ClinVar's aggregate classification.

NM_014140.4(SMARCAL1):c.1993G>T (p.Ala665Ser)

Gene: SMARCAL1 (SNF2 related chromatin remodeling annealing helicase 1; plus strand). Cytogenetic location: 2q35.
Variant type: single nucleotide variant.
Coding change: c.1993G>T on transcript NM_014140.4 (MANE Select); coding-DNA position 1993, G replaced by T.
Protein change: p.Ala665Ser; replaces alanine 665 with serine.
Molecular consequence: missense variant.
Genome position (GRCh38, 1-based): chr2:216,450,987, G>T. VCF-style: chr2-216450987-G-T. GRCh37 (hg19) VCF-style: chr2-217315710-G-T.
Other names: c.1993G>T, p.Ala665Ser (NM_001127207.2); short protein forms A665S.
Identifiers: ClinVar variation 640035 (VCV000640035.7), dbSNP rs768868466, ClinGen allele CA2098065.